The following is an entry in ClinVar:

ClinVar aggregate classification (germline): Uncertain significance (1 of 4 stars; one submission).

Conditions:
Inborn genetic diseases. Identifiers: MedGen C0950123, MeSH D030342.

Submission:

Ambry Genetics
Classification: Uncertain significance for Inborn genetic diseases. Last evaluated: 2026-03-08. Review status: criteria provided, single submitter. Criteria: Ambry Variant Classification Scheme 2023. Collection method: clinical testing. Allele origin: germline.
Comment: The p.P254L variant (also known as c.761C>T), located in coding exon 5 of the RECQL4 gene, results from a C to T substitution at nucleotide position 761. The proline at codon 254 is replaced by leucine, an amino acid with similar properties. This amino acid position is conserved. In addition, this alteration is predicted to be tolerated by in silico analysis. Based on the available evidence, the clinical significance of this variant remains unclear.

NM_004260.4(RECQL4):c.761C>T (p.Pro254Leu)

Gene: RECQL4 (RecQ like helicase 4; minus strand). Cytogenetic location: 8q24.3.
Variant type: single nucleotide variant.
Coding change: c.761C>T on transcript NM_004260.4 (MANE Select); coding-DNA position 761, C replaced by T.
Protein change: p.Pro254Leu; replaces proline 254 with leucine.
Molecular consequence: missense variant. On other transcripts: 5 prime UTR variant (17), non-coding transcript variant (3).
Genome position (GRCh38, 1-based): chr8:144,516,358, G>A on the plus strand (C>T on the coding strand, the complement: RECQL4 is on the minus strand). VCF-style: chr8-144516358-G-A. GRCh37 (hg19) VCF-style: chr8-145741742-G-A.
Other names: c.761C>T, p.Pro254Leu (NM_001413017.1, NM_001413018.1, NM_001413019.1 and 4 more transcripts); c.-311C>T (NM_001413021.1, NM_001413022.1, NM_001413023.1 and 7 more transcripts); c.632C>T, p.Pro211Leu (NM_001413025.1); c.-373C>T (NM_001413027.1, NM_001413030.1, NM_001413031.1 and 2 more transcripts); c.410C>T, p.Pro137Leu (NM_001413029.1); c.-215C>T (NM_001413034.1); c.-580C>T (NM_001413043.1); short protein forms P211L, P137L, P254L.
Identifiers: ClinVar variation 4825871 (VCV004825871.1).